The following is an entry in ClinVar:

NM_001083961.2(WDR62):c.1486C>T (p.Arg496Trp)

Gene: WDR62 (WD repeat domain 62; plus strand). Cytogenetic location: 19q13.12.
Variant type: single nucleotide variant.
Coding change: c.1486C>T on transcript NM_001083961.2 (MANE Select); coding-DNA position 1486, C replaced by T.
Protein change: p.Arg496Trp; replaces arginine 496 with tryptophan.
Molecular consequence: missense variant.
Genome position (GRCh38, 1-based): chr19:36,083,177, C>T. VCF-style: chr19-36083177-C-T. GRCh37 (hg19) VCF-style: chr19-36574079-C-T.
Other names: c.1486C>T, p.Arg496Trp (NM_173636.5); short protein forms R496W.
Identifiers: ClinVar variation 160250 (VCV000160250.13), dbSNP rs587784544, ClinGen allele CA272758.

ClinVar aggregate classification (germline): Conflicting classifications of pathogenicity. Review status: criteria provided, conflicting classifications (1 of 4 stars). 4 submissions from 4 submitters: Likely pathogenic (2); Uncertain significance (2). Last evaluated 2026-06-02.

Conditions:
Microcephaly 2, primary, autosomal recessive, with or without cortical malformations. Also called: MICROCEPHALY 2, PRIMARY, AUTOSOMAL RECESSIVE, WITH CORTICAL MALFORMATIONS; WDR62 Primary Microcephaly. Identifiers: Orphanet 2512, MedGen C1858535, MONDO:0011435, OMIM 604317.
Microcephaly. Also called: Microcephaly (disease). Identifiers: MedGen C4551563, MONDO:0001149, HP:0000252.

Allele frequency attached by ClinVar (database versions not stated): gnomAD 0.00001; TOPMed 0.00001; gnomAD exomes 0.00002; ExAC 0.00004.
gnomAD v4.1: 12 of 1,611,386 alleles (0.00074%); highest among the groups gnomAD compares: Admixed American, 0.0017%; no homozygotes.

Submissions (4):

Clinical Genetics Laboratory, Skane University Hospital Lund
Classification: Likely pathogenic for Microcephaly. Last evaluated: 2026-06-02. Review status: criteria provided, single submitter. Criteria: ACMG Guidelines, 2015. Collection method: clinical testing. Allele origin: germline. Inheritance: Autosomal recessive inheritance. Affected: yes.
Comment: ACMG criteria applied: PM2, PM3_Strong, PP4.

Labcorp Genetics (formerly Invitae), Labcorp
Classification: Uncertain significance. Last evaluated: 2026-01-07. Review status: criteria provided, single submitter. Criteria: Invitae Variant Classification Sherloc (09022015). Collection method: clinical testing. Allele origin: germline.
Comment: This sequence change replaces arginine, which is basic and polar, with tryptophan, which is neutral and slightly polar, at codon 496 of the WDR62 protein (p.Arg496Trp). The frequency data for this variant in the population databases is considered unreliable, as metrics indicate poor data quality at this position in the gnomAD database. This variant has not been reported in the literature in individuals affected with WDR62-related conditions. ClinVar contains an entry for this variant (Variation ID: 160250). Invitae Evidence Modeling of protein sequence and biophysical properties (such as structural, functional, and spatial information, amino acid conservation, physicochemical variation, residue mobility, and thermodynamic stability) indicates that this missense variant is expected to disrupt WDR62 protein function with a positive predictive value of 80%. In summary, the available evidence is currently insufficient to determine the role of this variant in disease. Therefore, it has been classified as a Variant of Uncertain Significance.

GeneDx
Classification: Likely pathogenic. Last evaluated: 2025-06-12. Review status: criteria provided, single submitter. Criteria: GeneDx Variant Classification Process June 2021. Collection method: clinical testing. Allele origin: germline. Affected: yes.
Comment: Not observed at significant frequency in large population cohorts (gnomAD); In silico analysis supports that this missense variant has a deleterious effect on protein structure/function; Has not been previously reported as a pathogenic or benign germline variant to our knowledge; This variant is associated with the following publications: (PMID: 27460824)

Genetic Services Laboratory, University of Chicago
Classification: Uncertain significance for Microcephaly 2, primary, autosomal recessive, with or without cortical malformations. Last evaluated: 2013-09-17. Review status: criteria provided, single submitter. Criteria: ACMG Guidelines, 2007. Collection method: clinical testing. Allele origin: germline. Inheritance: Autosomal recessive inheritance.